The following is an entry in ClinVar:

ClinVar aggregate classification (germline): Conflicting classifications of pathogenicity. Review status: criteria provided, conflicting classifications (1 of 4 stars). 2 submissions from 2 submitters: Uncertain significance (1); Likely benign (1). Last evaluated 2026-08-21.

Conditions:
Inborn genetic diseases. Identifiers: MedGen C0950123, MeSH D030342.
Hyperekplexia 3 (HKPX3). Also called: HYPEREKPLEXIA 3, AUTOSOMAL RECESSIVE; HYPEREKPLEXIA 3, AUTOSOMAL DOMINANT. Identifiers: Orphanet 3197, MedGen C3553288, MONDO:0013827, OMIM 614618.

Allele frequency attached by ClinVar (database versions not stated): ExAC 0.00002; gnomAD exomes 0.00002.
gnomAD v4.1: 23 of 1,608,356 alleles (0.0014%); highest among the groups gnomAD compares: African/African-American, 0.017%; no homozygotes.

Submissions (2):

Ambry Genetics
Classification: Likely benign for Inborn genetic diseases. Last evaluated: 2026-08-21. Review status: criteria provided, single submitter. Criteria: Ambry Variant Classification Scheme 2023. Collection method: clinical testing. Allele origin: germline.

Labcorp Genetics (formerly Invitae), Labcorp
Classification: Uncertain significance for Hyperekplexia 3. Last evaluated: 2024-10-16. Review status: criteria provided, single submitter. Criteria: Invitae Variant Classification Sherloc (09022015). Collection method: clinical testing. Allele origin: germline.
Comment: This sequence change replaces proline, which is neutral and non-polar, with arginine, which is basic and polar, at codon 108 of the SLC6A5 protein (p.Pro108Arg). This variant is present in population databases (rs759697015, gnomAD 0.02%). This variant has not been reported in the literature in individuals affected with SLC6A5-related conditions. ClinVar contains an entry for this variant (Variation ID: 1489980). Invitae Evidence Modeling of protein sequence and biophysical properties (such as structural, functional, and spatial information, amino acid conservation, physicochemical variation, residue mobility, and thermodynamic stability) indicates that this missense variant is not expected to disrupt SLC6A5 protein function with a negative predictive value of 95%. In summary, the available evidence is currently insufficient to determine the role of this variant in disease. Therefore, it has been classified as a Variant of Uncertain Significance.

NM_004211.5(SLC6A5):c.323C>G (p.Pro108Arg)

Gene: SLC6A5 (solute carrier family 6 member 5; plus strand). Cytogenetic location: 11p15.1.
Variant type: single nucleotide variant.
Coding change: c.323C>G on transcript NM_004211.5 (MANE Select); coding-DNA position 323, C replaced by G.
Protein change: p.Pro108Arg; replaces proline 108 with arginine.
Molecular consequence: missense variant. On other transcripts: 5 prime UTR variant (1).
Genome position (GRCh38, 1-based): chr11:20,601,448, C>G. VCF-style: chr11-20601448-C-G. GRCh37 (hg19) VCF-style: chr11-20622994-C-G.
Other names: c.323C>G (NM_004211.3); c.-241C>G (NM_001318369.2); short protein forms P108R.
Identifiers: ClinVar variation 1489980 (VCV001489980.7), dbSNP rs759697015, ClinGen allele CA5921040.